The following is an entry in ClinVar:

ClinVar aggregate classification (germline): Uncertain significance (1 of 4 stars; one submission).

Submission:

Labcorp Genetics (formerly Invitae), Labcorp
Classification: Uncertain significance. Last evaluated: 2022-12-06. Review status: criteria provided, single submitter. Criteria: Invitae Variant Classification Sherloc (09022015). Collection method: clinical testing. Allele origin: germline.
Comment: This variant is not present in population databases (gnomAD no frequency). This sequence change replaces aspartic acid, which is acidic and polar, with glutamic acid, which is acidic and polar, at codon 61 of the IRF4 protein (p.Asp61Glu). This variant has not been reported in the literature in individuals affected with IRF4-related conditions. In summary, the available evidence is currently insufficient to determine the role of this variant in disease. Therefore, it has been classified as a Variant of Uncertain Significance. Algorithms developed to predict the effect of missense changes on protein structure and function are either unavailable or do not agree on the potential impact of this missense change (SIFT: "Deleterious"; PolyPhen-2: "Probably Damaging"; Align-GVGD: "Class C0"). ClinVar contains an entry for this variant (Variation ID: 1370374).

NM_002460.4(IRF4):c.183C>G (p.Asp61Glu)

Gene: IRF4 (interferon regulatory factor 4; plus strand). Cytogenetic location: 6p25.3.
Variant type: single nucleotide variant.
Coding change: c.183C>G on transcript NM_002460.4 (MANE Select); coding-DNA position 183, C replaced by G.
Protein change: p.Asp61Glu; replaces aspartic acid 61 with glutamic acid.
Molecular consequence: missense variant. On other transcripts: non-coding transcript variant (1).
Genome position (GRCh38, 1-based): chr6:393,335, C>G. VCF-style: chr6-393335-C-G. GRCh37 (hg19) VCF-style: chr6-393335-C-G.
Other names: c.183C>G, p.Asp61Glu (NM_001195286.2); short protein forms D61E.
Identifiers: ClinVar variation 1370374 (VCV001370374.8), dbSNP rs2127436145, ClinGen allele CA362546631.
Genomic context (GRCh38, chr6:393,335, plus strand): 5'-GTGGGAGAACGAGGAGAAGAGCATCTTCCGCATCCCCTGGAAGCACGCGGGCAAGCAGGA[C>G]TACAACCGCGAGGAGGACGCCGCGCTCTTCAAGGTCTCCGGCCTCGGGAGCCGGCGGGGG-3'
Protein context (NP_002451.2, residues 51-71): RIPWKHAGKQ[Asp61Glu]YNREEDAALF